The following is an entry in ClinVar:

ClinVar aggregate classification (germline): Benign. Review status: criteria provided, multiple submitters, no conflicts (2 of 4 stars). 4 submissions from 4 submitters: Benign (3). 1 of the submissions does not count toward it. Last evaluated 2026-02-03.

Conditions:
Tay-Sachs disease, variant AB. Also called: GM2 Activator Deficiency; Gm2-gangliosidosis, ab variant. Identifiers: Orphanet 309246, MedGen C0268275, MONDO:0010099, OMIM 272750.

Allele frequency attached by ClinVar (database versions not stated): gnomAD exomes 0.08211 and 0.08973; ExAC 0.08261; 1000 Genomes Project 0.05631; 1000 Genomes Project 30x 0.05856; TOPMed 0.06715; gnomAD 0.07011 and 0.07092; ESP Exome Variant Server 0.07028.
gnomAD v4.1: 142,253 of 1,613,900 alleles (8.8%); highest among the groups gnomAD compares: Middle Eastern, 14%; 6,985 homozygotes.

Submissions (4):

Labcorp Genetics (formerly Invitae), Labcorp
Classification: Benign for Tay-Sachs disease, variant AB. Last evaluated: 2026-02-03. Review status: criteria provided, single submitter. Criteria: Invitae Variant Classification Sherloc (09022015). Collection method: clinical testing. Allele origin: germline.

GeneDx
Classification: Benign. Last evaluated: 2021-06-09. Review status: criteria provided, single submitter. Criteria: GeneDx Variant Classification Process June 2021. Collection method: clinical testing. Allele origin: germline. Affected: yes.

Illumina Laboratory Services, Illumina
Classification: Benign for Tay-Sachs disease, variant AB. Last evaluated: 2018-01-13. Review status: criteria provided, single submitter. Criteria: ICSL Variant Classification Criteria 13 December 2019. Collection method: clinical testing. Allele origin: germline.
Comment: This variant was observed in the ICSL laboratory as part of a predisposition screen in an ostensibly healthy population. It had not been previously curated by ICSL or reported in the Human Gene Mutation Database (HGMD: prior to June 1st, 2018), and was therefore a candidate for classification through an automated scoring system. Utilizing variant allele frequency, disease prevalence and penetrance estimates, and inheritance mode, an automated score was calculated to assess if this variant is too frequent to cause the disease. Based on the score and internal cut-off values, a variant classified as benign is not then subjected to further curation. The score for this variant resulted in a classification of benign for this disease.

Mayo Clinic Laboratories, Mayo Clinic
Classification: Benign. Last evaluated: 2015-10-20. Review status: no assertion criteria provided. Collection method: clinical testing. Allele origin: unknown. Not counted in ClinVar's aggregate classification.

NM_000405.5(GM2A):c.458T>C (p.Val153Ala)

Gene: GM2A (ganglioside GM2 activator; plus strand). Cytogenetic location: 5q33.1.
Variant type: single nucleotide variant.
Coding change: c.458T>C on transcript NM_000405.5 (MANE Select); coding-DNA position 458, T replaced by C.
Protein change: p.Val153Ala; replaces valine 153 with alanine.
Molecular consequence: missense variant. On other transcripts: intron variant (1).
Genome position (GRCh38, 1-based): chr5:151,267,327, T>C. VCF-style: chr5-151267327-T-C. GRCh37 (hg19) VCF-style: chr5-150646888-T-C.
Other names: c.413-165T>C (NM_001167607.3); short protein forms V153A.
Identifiers: ClinVar variation 352255 (VCV000352255.20), dbSNP rs61740602, ClinGen allele CA3517976.